The following is an entry in ClinVar:

ClinVar aggregate classification (germline): Uncertain significance (1 of 4 stars; one submission).

gnomAD v4.1: 1 of 1,614,230 alleles (0.000062%); no homozygotes.

Submission:

Labcorp Genetics (formerly Invitae), Labcorp
Classification: Uncertain significance. Last evaluated: 2021-08-27. Review status: criteria provided, single submitter. Criteria: Invitae Variant Classification Sherloc (09022015). Collection method: clinical testing. Allele origin: germline.
Comment: In summary, the available evidence is currently insufficient to determine the role of this variant in disease. Therefore, it has been classified as a Variant of Uncertain Significance. This sequence change replaces phenylalanine with serine at codon 671 of the RINT1 protein (p.Phe671Ser). The phenylalanine residue is highly conserved and there is a large physicochemical difference between phenylalanine and serine. This variant is not present in population databases (ExAC no frequency). This variant has not been reported in the literature in individuals affected with RINT1-related conditions. Algorithms developed to predict the effect of missense changes on protein structure and function are either unavailable or do not agree on the potential impact of this missense change (SIFT: "Deleterious"; PolyPhen-2: "Probably Damaging"; Align-GVGD: "Class C0").

NM_021930.6(RINT1):c.2012T>C (p.Phe671Ser)

Genes: EFCAB10 (EF-hand calcium binding domain 10; minus strand), RINT1 (RAD50 interactor 1; plus strand). Cytogenetic location: 7q22.3.
Variant type: single nucleotide variant.
Coding change: c.2012T>C on transcript NM_021930.6 (MANE Select); coding-DNA position 2012, T replaced by C.
Protein change: p.Phe671Ser; replaces phenylalanine 671 with serine.
Molecular consequence: missense variant. On other transcripts: 3 prime UTR variant (2), synonymous variant (1), non-coding transcript variant (1).
Genome position (GRCh38, 1-based): chr7:105,565,402, T>C. VCF-style: chr7-105565402-T-C. GRCh37 (hg19) VCF-style: chr7-105205849-T-C.
Other names: c.*45A>G (NM_001355526.2); c.*147A>G (NM_001355530.2); c.405A>G, p.Ter135= (NM_001355531.2); c.1778T>C, p.Phe593Ser (NM_001346599.2); c.989T>C, p.Phe330Ser (NM_001346600.2, NM_001346603.2); c.1088T>C, p.Phe363Ser (NM_001346601.2); short protein forms F593S, F330S, F671S, F363S.
Identifiers: ClinVar variation 1364028 (VCV001364028.6), dbSNP rs2133477666, ClinGen allele CA368814894.